The following is an entry in ClinVar:

NM_001987.5(ETV6):c.34-3C>T

Gene: ETV6 (ETS variant transcription factor 6; plus strand). Cytogenetic location: 12p13.2.
Variant type: single nucleotide variant.
Coding change: c.34-3C>T on transcript NM_001987.5 (MANE Select); 3 bases into the intron before coding-DNA position 34, C replaced by T.
Molecular consequence: intron variant.
Genome position (GRCh38, 1-based): chr12:11,752,447, C>T. VCF-style: chr12-11752447-C-T. GRCh37 (hg19) VCF-style: chr12-11905381-C-T.
Other names: c.7-3C>T (NM_001413914.1); c.34-3C>T (NM_001413917.1, NM_001413916.1, NM_001413918.1); c.34-6C>T (NM_001413913.1); c.-101-86693C>T (NM_001413915.1).
Identifiers: ClinVar variation 4870645 (VCV004870645.1).

ClinVar aggregate classification (germline): Uncertain significance (1 of 4 stars; one submission).

Conditions:
Inborn genetic diseases. Identifiers: MedGen C0950123, MeSH D030342.

gnomAD v4.1: 1 of 1,608,694 alleles (0.000062%); highest among the groups gnomAD compares: South Asian, 0.0011%; no homozygotes.

Submission:

Ambry Genetics
Classification: Uncertain significance for Inborn genetic diseases. Last evaluated: 2026-05-06. Review status: criteria provided, single submitter. Criteria: Ambry Variant Classification Scheme 2023. Collection method: clinical testing. Allele origin: germline.
Comment: The c.34-3C>T intronic variant results from a C to T substitution 3 nucleotides upstream from coding exon 2 in the ETV6 gene. This nucleotide position is highly conserved in available vertebrate species. In silico splice site analysis for this alteration is inconclusive. Based on the available evidence, the clinical significance of this variant remains unclear.